The following is an entry in ClinVar:

NM_177438.3(DICER1):c.5328G>T (p.Gln1776His)

Gene: DICER1 (dicer 1, ribonuclease III; minus strand). Cytogenetic location: 14q32.13.
Variant type: single nucleotide variant.
Coding change: c.5328G>T on transcript NM_177438.3 (MANE Select); coding-DNA position 5328, G replaced by T.
Protein change: p.Gln1776His; replaces glutamine 1776 with histidine.
Molecular consequence: missense variant. On other transcripts: non-coding transcript variant (6).
Genome position (GRCh38, 1-based): chr14:95,093,924, C>A on the plus strand (G>T on the coding strand, the complement: DICER1 is on the minus strand). VCF-style: chr14-95093924-C-A. GRCh37 (hg19) VCF-style: chr14-95560261-C-A.
Other names: c.5328G>T, p.Gln1776His (NM_001195573.1, NM_001271282.3, NM_001291628.2 and 8 more transcripts); c.5046G>T, p.Gln1682His (NM_001395686.1); c.4923G>T, p.Gln1641His (NM_001395687.1, NM_001395688.1, NM_001395689.1 and 1 more transcripts); c.4761G>T, p.Gln1587His (NM_001395691.1); c.3645G>T, p.Gln1215His (NM_001395697.1); short protein forms Q1215H, Q1776H, Q1587H, Q1641H, Q1682H.
Identifiers: ClinVar variation 4637127 (VCV004637127.1).

ClinVar aggregate classification (germline): Uncertain significance (1 of 4 stars; one submission).

Conditions:
Hereditary cancer-predisposing syndrome. Also called: Neoplastic Syndromes, Hereditary; Tumor predisposition; Hereditary Cancer Syndrome; Hereditary neoplastic syndrome. Identifiers: Orphanet 140162, MedGen C0027672, MeSH D009386, MONDO:0015356.

Submission:

Ambry Genetics
Classification: Uncertain significance for Hereditary cancer-predisposing syndrome. Last evaluated: 2025-10-12. Review status: criteria provided, single submitter. Criteria: Ambry Variant Classification Scheme 2023. Collection method: clinical testing. Allele origin: germline.
Comment: The p.Q1776H variant (also known as c.5328G>T), located in coding exon 23 of the DICER1 gene, results from a G to T substitution at nucleotide position 5328. The glutamine at codon 1776 is replaced by histidine, an amino acid with highly similar properties. This amino acid position is conserved. In addition, the in silico prediction for this alteration is inconclusive. Based on the available evidence, the clinical significance of this variant remains unclear.